The following is an entry in ClinVar:

NM_015205.3(ATP11A):c.384T>A (p.Cys128Ter)

Gene: ATP11A (ATPase phospholipid transporting 11A; plus strand). Cytogenetic location: 13q34.
Variant type: single nucleotide variant.
Coding change: c.384T>A on transcript NM_015205.3 (MANE Select); coding-DNA position 384, T replaced by A.
Protein change: p.Cys128Ter; replaces cysteine 128 with a stop codon.
Molecular consequence: nonsense.
Genome position (GRCh38, 1-based): chr13:112,810,669, T>A. VCF-style: chr13-112810669-T-A. GRCh37 (hg19) VCF-style: chr13-113464983-T-A.
Other names: c.384T>A, p.Cys128Ter (NM_001405661.1, NM_001405662.1, NM_001405663.1 and 1 more transcripts); short protein forms C128*.
Identifiers: ClinVar variation 4882902 (VCV004882902.2).

ClinVar aggregate classification (germline): Uncertain significance (1 of 4 stars; one submission).

Conditions:
Complex neurodevelopmental disorder. Identifiers: Orphanet 528084, MedGen C5568766, MONDO:0100038.

Submission:

Dasa
Classification: Uncertain significance for Complex neurodevelopmental disorder. Last evaluated: 2026-02-05. Review status: criteria provided, single submitter. Criteria: DASA Assertion Criteria. Collection method: clinical testing. Allele origin: germline.
Comment: NM_015205.3(ATP11A):c.384T>A (p.Cys128*) is a nonsense variant in ATP11A predicted to introduce a premature termination codon. This variant is rare in population databases. The currently available literature and clinical evidence are not sufficient to establish a definitive association between this variant and the reported condition. Therefore, this variant is classified as a variant of uncertain significance.